The following is an entry in ClinVar:

NM_001243133.2(NLRP3):c.770T>A (p.Ile257Asn)

Gene: NLRP3 (NLR family pyrin domain containing 3; plus strand). Cytogenetic location: 1q44.
Variant type: single nucleotide variant.
Coding change: c.770T>A on transcript NM_001243133.2 (MANE Select); coding-DNA position 770, T replaced by A.
Protein change: p.Ile257Asn; replaces isoleucine 257 with asparagine.
Molecular consequence: missense variant.
Genome position (GRCh38, 1-based): chr1:247,424,219, T>A. VCF-style: chr1-247424219-T-A. GRCh37 (hg19) VCF-style: chr1-247587521-T-A.
Other names: c.770T>A, p.Ile257Asn (NM_001079821.3, NM_001127461.3, NM_001127462.3 and 1 more transcripts); c.776T>A, p.Ile259Asn (NM_004895.5); short protein forms I257N, I259N.
Identifiers: ClinVar variation 1303891 (VCV001303891.3), dbSNP rs2103107030, ClinGen allele CA345555396.

ClinVar aggregate classification (germline): Uncertain significance (1 of 4 stars; one submission).

Submission:

GeneDx
Classification: Uncertain significance. Last evaluated: 2023-10-03. Review status: criteria provided, single submitter. Criteria: GeneDx Variant Classification Process June 2021. Collection method: clinical testing. Allele origin: germline. Affected: yes.
Comment: Not observed at significant frequency in large population cohorts (gnomAD); In silico analysis supports that this missense variant has a deleterious effect on protein structure/function; Has not been previously published as pathogenic or benign to our knowledge; Also known as p.I257N; This variant is associated with the following publications: (PMID: 19302049)